The following is an entry in ClinVar:

NM_005529.7(HSPG2):c.1219C>T (p.Gln407Ter)

Gene: HSPG2 (heparan sulfate proteoglycan 2; minus strand). Cytogenetic location: 1p36.12.
Variant type: single nucleotide variant.
Coding change: c.1219C>T on transcript NM_005529.7 (MANE Select); coding-DNA position 1219, C replaced by T.
Protein change: p.Gln407Ter; replaces glutamine 407 with a stop codon.
Molecular consequence: nonsense.
Genome position (GRCh38, 1-based): chr1:21,885,149, G>A on the plus strand (C>T on the coding strand, the complement: HSPG2 is on the minus strand). VCF-style: chr1-21885149-G-A. GRCh37 (hg19) VCF-style: chr1-22211642-G-A.
Other names: c.1219C>T, p.Gln407Ter (NM_001291860.2); short protein forms Q407*.
Identifiers: ClinVar variation 4713390 (VCV004713390.1).
Genomic context (GRCh38, chr1:21,885,149, plus strand): 5'-TGAAGGTCACTGTCTGGCCCCGGGAAGCCTGGATGGACTCCCGGGGAGGTGTCACCACCT[G>A]GGGGGGCACTGAGGAGACCAGGGCAGGAGTGAGGGGTCGGGGGCAAAGGAAGGAGGAGCG-3'

ClinVar aggregate classification (germline): Pathogenic (1 of 4 stars; one submission).

Submission:

Labcorp Genetics (formerly Invitae), Labcorp
Classification: Pathogenic. Last evaluated: 2025-02-19. Review status: criteria provided, single submitter. Criteria: Invitae Variant Classification Sherloc (09022015). Collection method: clinical testing. Allele origin: germline.
Comment: This sequence change creates a premature translational stop signal (p.Gln407*) in the HSPG2 gene. It is expected to result in an absent or disrupted protein product. Loss-of-function variants in HSPG2 are known to be pathogenic (PMID: 11279527, 16927315, 20542149, 23836246). This variant is not present in population databases (gnomAD no frequency). This variant has not been reported in the literature in individuals affected with HSPG2-related conditions. For these reasons, this variant has been classified as Pathogenic.

Literature cited by the submitters: PubMed 11279527; PubMed 16927315; PubMed 20542149; PubMed 23836246.